The following is an entry in ClinVar:

NM_203395.3(IYD):c.90G>A (p.Lys30=)

Gene: IYD (iodotyrosine deiodinase; plus strand). Cytogenetic location: 6q25.1.
Variant type: single nucleotide variant.
Coding change: c.90G>A on transcript NM_203395.3 (MANE Select); coding-DNA position 90, G replaced by A.
Protein change: p.Lys30=; no amino-acid change (lysine 30 retained).
Molecular consequence: synonymous variant. On other transcripts: 5 prime UTR variant (1), non-coding transcript variant (1).
Genome position (GRCh38, 1-based): chr6:150,369,121, G>A. VCF-style: chr6-150369121-G-A. GRCh37 (hg19) VCF-style: chr6-150690257-G-A.
Other names: c.90G>A, p.Lys30= (NM_001164694.2, NM_001164695.2); c.-89G>A (NM_001318495.2).
Identifiers: ClinVar variation 718813 (VCV000718813.29), dbSNP rs146748197, ClinGen allele CA4046913.

ClinVar aggregate classification (germline): Benign/Likely benign. Review status: criteria provided, multiple submitters, no conflicts (2 of 4 stars). 2 submissions from 2 submitters: Benign (1); Likely benign (1). Last evaluated 2026-01-26.

Allele frequency attached by ClinVar (database versions not stated): 1000 Genomes Project 30x 0.00047; 1000 Genomes Project 0.00060; ESP Exome Variant Server 0.00069; TOPMed 0.00094; gnomAD exomes 0.00112 and 0.00113; gnomAD 0.00120; ExAC 0.00124.
gnomAD v4.1: 1,801 of 1,613,996 alleles (0.11%); highest among the groups gnomAD compares: Non-Finnish European, 0.13%; 7 homozygotes.

Submissions (2):

Labcorp Genetics (formerly Invitae), Labcorp
Classification: Benign. Last evaluated: 2026-01-26. Review status: criteria provided, single submitter. Criteria: Invitae Variant Classification Sherloc (09022015). Collection method: clinical testing. Allele origin: germline.

CeGaT Center for Human Genetics Tuebingen
Classification: Likely benign. Last evaluated: 2023-03-01. Review status: criteria provided, single submitter. Criteria: CeGaT Center For Human Genetics Tuebingen Variant Classification Criteria Version 2. Collection method: clinical testing. Allele origin: germline. Affected: yes. Observed: 3 variant alleles.
Comment: IYD: BP4, BP7